The following is an entry in ClinVar:

ClinVar aggregate classification (germline): Pathogenic (1 of 4 stars; one submission).

Submission:

Labcorp Genetics (formerly Invitae), Labcorp
Classification: Pathogenic. Last evaluated: 2024-12-12. Review status: criteria provided, single submitter. Criteria: Invitae Variant Classification Sherloc (09022015). Collection method: clinical testing. Allele origin: germline.
Comment: This sequence change creates a premature translational stop signal (p.Leu6*) in the UROD gene. It is expected to result in an absent or disrupted protein product. Loss-of-function variants in UROD are known to be pathogenic (PMID: 1634232, 17240319, 19233912, 19419417, 23545314). This variant is not present in population databases (gnomAD no frequency). This variant has not been reported in the literature in individuals affected with UROD-related conditions. For these reasons, this variant has been classified as Pathogenic.

Literature cited by the submitters: PubMed 1634232; PubMed 17240319; PubMed 19233912; PubMed 19419417; PubMed 23545314.

NM_000374.5(UROD):c.17T>A (p.Leu6Ter)

Genes: UROD (uroporphyrinogen decarboxylase; plus strand), LOC129930433 (ATAC-STARR-seq lymphoblastoid active region 959; plus strand). Cytogenetic location: 1p34.1.
Variant type: single nucleotide variant.
Coding change: c.17T>A on transcript NM_000374.5 (MANE Select); coding-DNA position 17, T replaced by A.
Protein change: p.Leu6Ter; replaces leucine 6 with a stop codon.
Molecular consequence: nonsense. On other transcripts: non-coding transcript variant (3).
Genome position (GRCh38, 1-based): chr1:45,012,282, T>A. VCF-style: chr1-45012282-T-A. GRCh37 (hg19) VCF-style: chr1-45477954-T-A.
Other names: short protein forms L6*.
Identifiers: ClinVar variation 3727193 (VCV003727193.2).
Genomic context (GRCh38, chr1:45,012,282, plus strand): 5'-CAGGTTAAATTGTGGATTGAGCTCGCAGTTACAGACAGCTGACCATGGAAGCGAATGGGT[T>A]GGGGTGAGTTCTCCAGAGCACGCGGTGTGGCTAGCCGGGCTTCTAATTTGAGTCTTCCAA-3'